The following is an entry in ClinVar:

NM_003924.4(PHOX2B):c.812A>G (p.Gln271Arg)

Gene: PHOX2B (paired like homeobox 2B; minus strand). Cytogenetic location: 4p13.
Variant type: single nucleotide variant.
Coding change: c.812A>G on transcript NM_003924.4 (MANE Select); coding-DNA position 812, A replaced by G.
Protein change: p.Gln271Arg; replaces glutamine 271 with arginine.
Molecular consequence: missense variant.
Genome position (GRCh38, 1-based): chr4:41,745,940, T>C on the plus strand (A>G on the coding strand, the complement: PHOX2B is on the minus strand). VCF-style: chr4-41745940-T-C. GRCh37 (hg19) VCF-style: chr4-41747957-T-C.
Other names: short protein forms Q271R.
Identifiers: ClinVar variation 2563102 (VCV002563102.2), dbSNP rs1334079108, ClinGen allele CA356737094.

ClinVar aggregate classification (germline): Uncertain significance (1 of 4 stars; one submission).

Conditions:
Hereditary cancer-predisposing syndrome. Also called: Neoplastic Syndromes, Hereditary; Hereditary Cancer Syndrome; Hereditary neoplastic syndrome; Tumor predisposition. Identifiers: Orphanet 140162, MedGen C0027672, MeSH D009386, MONDO:0015356.

Submission:

Ambry Genetics
Classification: Uncertain significance for Hereditary cancer-predisposing syndrome. Last evaluated: 2023-03-17. Review status: criteria provided, single submitter. Criteria: Ambry Variant Classification Scheme 2023. Collection method: clinical testing. Allele origin: germline.
Comment: The p.Q271R variant (also known as c.812A>G), located in coding exon 3 of the PHOX2B gene, results from an A to G substitution at nucleotide position 812. The glutamine at codon 271 is replaced by arginine, an amino acid with highly similar properties. This amino acid position is conserved. In addition, this alteration is predicted to be tolerated by in silico analysis. Since supporting evidence is limited at this time, the clinical significance of this alteration remains unclear.